The following is an entry in ClinVar:

NM_001457.4(FLNB):c.1628T>C (p.Val543Ala)

Gene: FLNB (filamin B; plus strand). Cytogenetic location: 3p14.3.
Variant type: single nucleotide variant.
Coding change: c.1628T>C on transcript NM_001457.4 (MANE Select); coding-DNA position 1628, T replaced by C.
Protein change: p.Val543Ala; replaces valine 543 with alanine.
Molecular consequence: missense variant.
Genome position (GRCh38, 1-based): chr3:58,105,097, T>C. VCF-style: chr3-58105097-T-C. GRCh37 (hg19) VCF-style: chr3-58090824-T-C.
Other names: c.1628T>C, p.Val543Ala (NM_001164317.2, NM_001164318.2, NM_001164319.2); short protein forms V543A.
Identifiers: ClinVar variation 346313 (VCV000346313.59), dbSNP rs773177128, ClinGen allele CA2467886.
Genomic context (GRCh38, chr3:58,105,097, plus strand): 5'-ACTTTACTCTTCTTTGATGCTTCTTCTATTCCTTTCCCTGTAGCCCCTTTGAAGTTCAAG[T>C]TGGCCCTGAAGCGGGTATGCAGAAAGTCCGTGCTTGGGGCCCTGGGCTCCATGGTGGGAT-3'
Protein context (NP_001448.2, residues 533-553): HIPKSPFEVQ[Val543Ala]GPEAGMQKVR

ClinVar aggregate classification (germline): Conflicting classifications of pathogenicity. Review status: criteria provided, conflicting classifications (1 of 4 stars). 5 submissions from 5 submitters: Uncertain significance (3); Likely benign (1). 1 of the submissions does not count toward it. Last evaluated 2026-01-21.

Conditions:
Inborn genetic diseases. Identifiers: MedGen C0950123, MeSH D030342.
FLNB-related disorder. Also called: FLNB-related condition; FLNB-related disorders. Identifiers: MedGen CN381095.

Allele frequency attached by ClinVar (database versions not stated): gnomAD 0.00002; TOPMed 0.00004; gnomAD exomes 0.00006; ExAC 0.00007.
gnomAD v4.1: 162 of 1,614,144 alleles (0.01%); highest among the groups gnomAD compares: Non-Finnish European, 0.013%; no homozygotes.

Submissions (5):

Labcorp Genetics (formerly Invitae), Labcorp
Classification: Likely benign. Last evaluated: 2026-01-21. Review status: criteria provided, single submitter. Criteria: Invitae Variant Classification Sherloc (09022015). Collection method: clinical testing. Allele origin: germline.

GeneDx
Classification: Uncertain significance. Last evaluated: 2024-06-04. Review status: criteria provided, single submitter. Criteria: GeneDx Variant Classification Process June 2021. Collection method: clinical testing. Allele origin: germline.
Comment: In silico analysis supports that this missense variant has a deleterious effect on protein structure/function; Has not been previously published as pathogenic or benign to our knowledge

Ambry Genetics
Classification: Uncertain significance for Inborn genetic diseases. Last evaluated: 2023-06-01. Review status: criteria provided, single submitter. Criteria: Ambry Variant Classification Scheme 2023. Collection method: clinical testing. Allele origin: germline.

ARUP Laboratories, Molecular Genetics and Genomics, ARUP Laboratories
Classification: Uncertain significance. Last evaluated: 2020-05-15. Review status: criteria provided, single submitter. Criteria: ARUP Molecular Germline Variant Investigation Process. Collection method: clinical testing. Allele origin: germline.
Comment: The FLNB c.1628T>C, p.Val543Ala variant (rs773177128) has not been reported in the medical literature, but is listed in ClinVar (Variation ID: 346313). This variant is found in the general population with an overall allele frequency of 0.0053% (15/282886 alleles) in the Genome Aggregation Database. The valine at position 543 is highly conserved, but computational algorithms (PolyPhen-2: benign; SIFT: damaging) are inconclusive on the variant's impact on FLNB protein structure or function. Due to the occurrence of p.Val543Ala in the general population, this variant is unlikely to be associated with a severe autosomal dominant FLNB-related disease such as atelosteogenesis types I (AOI) and III (AOIII) or Piepkorn osteochondrodysplasia (Robertson 2020); however, due to limited information regarding the p.Val543Ala variant, its clinical significance for a milder presentation (e.g autosomal dominant Larsen syndrome or autosomal recessive disorder. spondylocarpotarsal synostosis) cannot be determined with certainty. References: Robertson S. FLNB Disorders. 2008 Oct 9 (Updated 2020 Feb 13). In: Adam MP, Ardinger HH, Pagon RA, et al., editors. GeneReviews (Internet). Seattle (WA): University of Washington, Seattle; 1993-2020.

PreventionGenetics, part of Exact Sciences
Classification: Uncertain significance for FLNB-related condition. Last evaluated: 2024-05-22. Review status: no assertion criteria provided. Collection method: clinical testing. Allele origin: germline. Not counted in ClinVar's aggregate classification.
Comment: The FLNB c.1628T>C variant is predicted to result in the amino acid substitution p.Val543Ala. To our knowledge, this variant has not been reported in the literature. This variant is reported in 0.010% of alleles in individuals of European (Non-Finnish) descent in gnomAD. At this time, the clinical significance of this variant is uncertain due to the absence of conclusive functional and genetic evidence.